The following is an entry in ClinVar:

NM_000257.4(MYH7):c.2441T>G (p.Ile814Ser)

Genes: MYH7 (myosin heavy chain 7; minus strand), LOC126861898 (BRD4-independent group 4 enhancer GRCh37_chr14:23893609-23894808; plus strand). Cytogenetic location: 14q11.2.
Variant type: single nucleotide variant.
Coding change: c.2441T>G on transcript NM_000257.4 (MANE Select); coding-DNA position 2441, T replaced by G.
Protein change: p.Ile814Ser; replaces isoleucine 814 with serine.
Molecular consequence: missense variant.
Genome position (GRCh38, 1-based): chr14:23,425,007, A>C on the plus strand (T>G on the coding strand, the complement: MYH7 is on the minus strand). VCF-style: chr14-23425007-A-C. GRCh37 (hg19) VCF-style: chr14-23894216-A-C.
Other names: short protein forms I814S.
Identifiers: ClinVar variation 1407749 (VCV001407749.8), dbSNP rs2138666332, ClinGen allele CA389048404.

ClinVar aggregate classification (germline): Uncertain significance. Review status: criteria provided, multiple submitters, no conflicts (2 of 4 stars). 2 submissions from 2 submitters: Uncertain significance (2). Last evaluated 2025-06-27.

Conditions:
Cardiovascular phenotype. Identifiers: MedGen CN230736.
Hypertrophic cardiomyopathy. Also called: HYPERTROPHIC MYOCARDIOPATHY. Identifiers: Orphanet 217569, MedGen C0007194, MeSH D002312, MONDO:0005045, HP:0001639.

Submissions (2):

Labcorp Genetics (formerly Invitae), Labcorp
Classification: Uncertain significance for Hypertrophic cardiomyopathy. Last evaluated: 2025-06-27. Review status: criteria provided, single submitter. Criteria: Invitae Variant Classification Sherloc (09022015). Collection method: clinical testing. Allele origin: germline.
Comment: This sequence change replaces isoleucine, which is neutral and non-polar, with serine, which is neutral and polar, at codon 814 of the MYH7 protein (p.Ile814Ser). This variant is not present in population databases (gnomAD no frequency). This missense change has been observed in individual(s) with MYH7-related conditions (PMID: 27532257, 37652022). ClinVar contains an entry for this variant (Variation ID: 1407749). Invitae Evidence Modeling of protein sequence and biophysical properties (such as structural, functional, and spatial information, amino acid conservation, physicochemical variation, residue mobility, and thermodynamic stability) indicates that this missense variant is expected to disrupt MYH7 protein function with a positive predictive value of 95%. In summary, the available evidence is currently insufficient to determine the role of this variant in disease. Therefore, it has been classified as a Variant of Uncertain Significance.

Ambry Genetics
Classification: Uncertain significance for Cardiovascular phenotype. Last evaluated: 2023-01-20. Review status: criteria provided, single submitter. Criteria: Ambry Variant Classification Scheme 2023. Collection method: clinical testing. Allele origin: germline.
Comment: The p.I814S variant (also known as c.2441T>G), located in coding exon 20 of the MYH7 gene, results from a T to G substitution at nucleotide position 2441. The isoleucine at codon 814 is replaced by serine, an amino acid with dissimilar properties. This alteration has been reported in a dilated cardiomyopathy (DCM) cohort; however, clinical details were limited (Walsh R et al. Genet Med, 2017 Feb;19:192-203; Mazzarotto F et al. Circulation, 2020 Feb;141:387-398). This amino acid position is highly conserved in available vertebrate species. In addition, this alteration is predicted to be deleterious by in silico analysis. Since supporting evidence is limited at this time, the clinical significance of this alteration remains unclear.

Literature cited by the submitters: PubMed 27532257 (cited by Labcorp Genetics (formerly Invitae), Labcorp and Ambry Genetics); PubMed 37652022 (cited by Labcorp Genetics (formerly Invitae), Labcorp); PubMed 31983221 (cited by Ambry Genetics).